The following is an entry in ClinVar:

NM_001242896.3(DEPDC5):c.4049A>T (p.Glu1350Val)

Gene: DEPDC5 (DEP domain containing 5, GATOR1 subcomplex subunit; plus strand). Cytogenetic location: 22q12.3.
Variant type: single nucleotide variant.
Coding change: c.4049A>T on transcript NM_001242896.3 (MANE Select); coding-DNA position 4049, A replaced by T.
Protein change: p.Glu1350Val; replaces glutamic acid 1350 with valine.
Molecular consequence: missense variant. On other transcripts: non-coding transcript variant (5).
Genome position (GRCh38, 1-based): chr22:31,893,597, A>T. VCF-style: chr22-31893597-A-T. GRCh37 (hg19) VCF-style: chr22-32289583-A-T.
Other names: c.4022A>T, p.Glu1341Val (NM_001136029.4); c.3749A>T, p.Glu1250Val (NM_001242897.2); c.3983A>T, p.Glu1328Val (NM_001363852.2, NM_001364320.2); c.3815A>T, p.Glu1272Val (NM_001363854.2, NM_001364319.2); c.4049A>T, p.Glu1350Val (NM_001364318.2); c.3965A>T, p.Glu1322Val (NM_001369901.1, NM_001369902.1); c.3956A>T, p.Glu1319Val (NM_001369903.1, NM_014662.6); short protein forms E1319V, E1322V, E1328V, E1341V, E1272V, E1350V, E1250V.
Identifiers: ClinVar variation 2884291 (VCV002884291.3), dbSNP rs1427057683, ClinGen allele CA411286620.

ClinVar aggregate classification (germline): Uncertain significance (1 of 4 stars; one submission).

Conditions:
Familial focal epilepsy with variable foci (FPEVF). Identifiers: Orphanet 98820, MedGen C1858477, MONDO:0020310.

Allele frequency attached by ClinVar (database versions not stated): gnomAD exomes below 0.00001.
gnomAD v4.1: 1 of 1,609,630 alleles (0.000062%); highest among the groups gnomAD compares: Non-Finnish European, 0.000085%; no homozygotes.

Submission:

Labcorp Genetics (formerly Invitae), Labcorp
Classification: Uncertain significance for Familial focal epilepsy with variable foci. Last evaluated: 2023-12-13. Review status: criteria provided, single submitter. Criteria: Invitae Variant Classification Sherloc (09022015). Collection method: clinical testing. Allele origin: germline.
Comment: This sequence change replaces glutamic acid, which is acidic and polar, with valine, which is neutral and non-polar, at codon 1350 of the DEPDC5 protein (p.Glu1350Val). This variant is present in population databases (no rsID available, gnomAD 0.0009%). This variant has not been reported in the literature in individuals affected with DEPDC5-related conditions. Experimental studies and prediction algorithms are not available or were not evaluated, and the functional significance of this variant is currently unknown. In summary, the available evidence is currently insufficient to determine the role of this variant in disease. Therefore, it has been classified as a Variant of Uncertain Significance.